The following is an entry in ClinVar:

NM_015450.3(POT1):c.1705C>A (p.Pro569Thr)

Gene: POT1 (protection of telomeres 1; minus strand). Cytogenetic location: 7q31.33.
Variant type: single nucleotide variant.
Coding change: c.1705C>A on transcript NM_015450.3 (MANE Select); coding-DNA position 1705, C replaced by A.
Protein change: p.Pro569Thr; replaces proline 569 with threonine.
Molecular consequence: missense variant. On other transcripts: non-coding transcript variant (3).
Genome position (GRCh38, 1-based): chr7:124,825,339, G>T on the plus strand (C>A on the coding strand, the complement: POT1 is on the minus strand). VCF-style: chr7-124825339-G-T. GRCh37 (hg19) VCF-style: chr7-124465393-G-T.
Other names: c.1312C>A, p.Pro438Thr (NM_001042594.2); c.1705C>A (NM_015450.2); short protein forms P569T, P438T.
Identifiers: ClinVar variation 1477794 (VCV001477794.9), dbSNP rs1388805721, ClinGen allele CA369062510.

ClinVar aggregate classification (germline): Uncertain significance. Review status: criteria provided, multiple submitters, no conflicts (2 of 4 stars). 2 submissions from 2 submitters: Uncertain significance (2). Last evaluated 2026-08-25.

Conditions:
Tumor predisposition syndrome 3 (TPDS3). Also called: Melanoma, cutaneous malignant, susceptibility to, 10; Glioma susceptibility 9; LONG TELOMERE SYNDROME, POT1-RELATED; POT1 Tumor Predisposition. Identifiers: Orphanet 618, MedGen C4014476, MONDO:0014368, OMIM 615848.
Hereditary cancer-predisposing syndrome. Also called: Hereditary Cancer Syndrome; Tumor predisposition; Neoplastic Syndromes, Hereditary; Hereditary neoplastic syndrome. Identifiers: Orphanet 140162, MedGen C0027672, MeSH D009386, MONDO:0015356.

Submissions (2):

Ambry Genetics
Classification: Uncertain significance for Hereditary cancer-predisposing syndrome. Last evaluated: 2026-08-25. Review status: criteria provided, single submitter. Criteria: Ambry Variant Classification Scheme 2023. Collection method: clinical testing. Allele origin: germline.
Comment: The p.P569T variant (also known as c.1705C>A), located in coding exon 14 of the POT1 gene, results from a C to A substitution at nucleotide position 1705. The proline at codon 569 is replaced by threonine, an amino acid with highly similar properties. This amino acid position is highly conserved in available vertebrate species. In addition, the in silico prediction for this alteration is inconclusive. Based on the available evidence, the clinical significance of this variant remains unclear.

Labcorp Genetics (formerly Invitae), Labcorp
Classification: Uncertain significance for Tumor predisposition syndrome 3. Last evaluated: 2021-03-16. Review status: criteria provided, single submitter. Criteria: Invitae Variant Classification Sherloc (09022015). Collection method: clinical testing. Allele origin: germline.
Comment: In summary, the available evidence is currently insufficient to determine the role of this variant in disease. Therefore, it has been classified as a Variant of Uncertain Significance. Algorithms developed to predict the effect of missense changes on protein structure and function are either unavailable or do not agree on the potential impact of this missense change (SIFT: "Deleterious"; PolyPhen-2: "Possibly Damaging"; Align-GVGD: "Class C0"). This variant has not been reported in the literature in individuals with POT1-related conditions. This variant is not present in population databases (ExAC no frequency). This sequence change replaces proline with threonine at codon 569 of the POT1 protein (p.Pro569Thr). The proline residue is highly conserved and there is a small physicochemical difference between proline and threonine.